The following is an entry in ClinVar:

ClinVar aggregate classification (germline): Likely benign. Review status: criteria provided, single submitter (1 of 4 stars). 2 submissions from 2 submitters: Likely benign (1). 1 of the submissions does not count toward it. Last evaluated 2024-01-22.

Conditions:
MEGF8-related disorder. Also called: MEGF8-related condition.
MEGF8-related Carpenter syndrome. Also called: Carpenter syndrome 2. Identifiers: Orphanet 65759, MedGen C3554247, MONDO:0013998, OMIM 614976.

Allele frequency attached by ClinVar (database versions not stated): gnomAD exomes 0.00003 and 0.00007; ExAC 0.00007; ESP Exome Variant Server 0.00008; 1000 Genomes Project 0.00020; gnomAD 0.00022 and 0.00025; 1000 Genomes Project 30x 0.00031; TOPMed 0.00032.
gnomAD v4.1: 78 of 1,608,108 alleles (0.0049%); highest among the groups gnomAD compares: African/African-American, 0.084%; no homozygotes.

Submissions (2):

Labcorp Genetics (formerly Invitae), Labcorp
Classification: Likely benign for MEGF8-related Carpenter syndrome. Last evaluated: 2024-01-22. Review status: criteria provided, single submitter. Criteria: Invitae Variant Classification Sherloc (09022015). Collection method: clinical testing. Allele origin: germline.

PreventionGenetics, part of Exact Sciences
Classification: Likely benign for MEGF8-related condition. Last evaluated: 2019-04-30. Review status: no assertion criteria provided. Collection method: clinical testing. Allele origin: germline. Not counted in ClinVar's aggregate classification.
Comment: This variant is classified as likely benign based on ACMG/AMP sequence variant interpretation guidelines (Richards et al. 2015 PMID: 25741868, with internal and published modifications).

NM_001271938.2(MEGF8):c.1275T>C (p.Leu425=)

Gene: MEGF8 (multiple EGF like domains 8; plus strand). Cytogenetic location: 19q13.2.
Variant type: single nucleotide variant.
Coding change: c.1275T>C on transcript NM_001271938.2 (MANE Select); coding-DNA position 1275, T replaced by C.
Protein change: p.Leu425=; no amino-acid change (leucine 425 retained).
Molecular consequence: synonymous variant.
Genome position (GRCh38, 1-based): chr19:42,336,837, T>C. VCF-style: chr19-42336837-T-C. GRCh37 (hg19) VCF-style: chr19-42840989-T-C.
Other names: c.1275T>C, p.Leu425= (NM_001410.3); c.1275T>C (NM_001410.2).
Identifiers: ClinVar variation 1094061 (VCV001094061.11), dbSNP rs370779185, ClinGen allele CA9474403.
Genomic context (GRCh38, chr19:42,336,837, plus strand): 5'-TGAGCCCCTGCCCTGCTTCTCCTTCGGTAGGTTCTCTGTGCGAGTGAACTCCACTGAGCT[T>C]TTCCACGTGGATCGGCATGTGTGGACGACGCTGAAGGGGCGGGATGGGCTTCAGGGCCCA-3'
Protein context (NP_001258867.1, residues 415-435): RFSVRVNSTE[Leu425=]FHVDRHVWTT